The following is an entry in ClinVar:

ClinVar aggregate classification (germline): Benign/Likely benign. Review status: criteria provided, multiple submitters, no conflicts (2 of 4 stars). 2 submissions from 2 submitters: Benign (1); Likely benign (1). Last evaluated 2024-04-02.

Conditions:
Familial adenomatous polyposis 1 (FAP1). Also called: FAMILIAL ADENOMATOUS POLYPOSIS 1, ATTENUATED; POLYPOSIS, ADENOMATOUS INTESTINAL. Identifiers: MedGen C2713442, MONDO:0021056, OMIM 175100. Disease mechanism: loss of function.

Submissions (2):

Myriad Genetics, Inc.
Classification: Benign for Familial adenomatous polyposis 1. Last evaluated: 2024-04-02. Review status: criteria provided, single submitter. Criteria: Myriad Autosomal Dominant, Autosomal Recessive and X-Linked Classification Criteria (2023). Collection method: clinical testing. Allele origin: unknown.
Comment: This variant is considered benign. This variant is a silent/synonymous amino acid change and it is not expected to impact splicing.

Labcorp Genetics (formerly Invitae), Labcorp
Classification: Likely benign for Familial adenomatous polyposis 1. Last evaluated: 2022-07-15. Review status: criteria provided, single submitter. Criteria: Invitae Variant Classification Sherloc (09022015). Collection method: clinical testing. Allele origin: germline.

NM_000038.6(APC):c.5556T>G (p.Thr1852=)

Gene: APC (APC regulator of Wnt signaling pathway; plus strand). Cytogenetic location: 5q22.2.
Variant type: single nucleotide variant.
Coding change: c.5556T>G on transcript NM_000038.6 (MANE Select); coding-DNA position 5556, T replaced by G.
Protein change: p.Thr1852=; no amino-acid change (threonine 1852 retained).
Molecular consequence: synonymous variant. On other transcripts: non-coding transcript variant (2).
Genome position (GRCh38, 1-based): chr5:112,841,150, T>G. VCF-style: chr5-112841150-T-G. GRCh37 (hg19) VCF-style: chr5-112176847-T-G.
Other names: c.5556T>G, p.Thr1852= (NM_001127510.3, NM_001354895.2, NM_001407450.1); c.5502T>G, p.Thr1834= (NM_001127511.3); c.5610T>G, p.Thr1870= (NM_001354896.2, NM_001407447.1, NM_001407448.1 and 1 more transcripts); c.5586T>G, p.Thr1862= (NM_001354897.2); c.5481T>G, p.Thr1827= (NM_001354898.2); c.5472T>G, p.Thr1824= (NM_001354899.2); c.5433T>G, p.Thr1811= (NM_001354900.2); c.5379T>G, p.Thr1793= (NM_001354901.2, NM_001407453.1); and 11 more.
Identifiers: ClinVar variation 2017439 (VCV002017439.5), dbSNP rs1765978234, ClinGen allele CA446208931.